The following is an entry in ClinVar:

NM_006019.4(TCIRG1):c.1153G>T (p.Glu385Ter)

Gene: TCIRG1 (T cell immune regulator 1, ATPase H+ transporting V0 subunit a3; plus strand). Cytogenetic location: 11q13.2.
Variant type: single nucleotide variant.
Coding change: c.1153G>T on transcript NM_006019.4 (MANE Select); coding-DNA position 1153, G replaced by T.
Protein change: p.Glu385Ter; replaces glutamic acid 385 with a stop codon.
Molecular consequence: nonsense.
Genome position (GRCh38, 1-based): chr11:68,045,090, G>T. VCF-style: chr11-68045090-G-T. GRCh37 (hg19) VCF-style: chr11-67812557-G-T.
Other names: c.259G>T, p.Glu87Ter (NM_001351059.2); c.505G>T, p.Glu169Ter (NM_006053.4); short protein forms E169*, E87*, E385*.
Identifiers: ClinVar variation 3649822 (VCV003649822.2).
Genomic context (GRCh38, chr11:68,045,090, plus strand): 5'-AACCGCTTCACGGCCAGCTTCCAGGGCATCGTGGATGCCTACGGCGTGGGCCGCTACCAG[G>T]AGGTCAACCCCGGTGAGAGCCACGGCATCCTTACCCGTGTCCTGGGAGGCTCAGCTGCCC-3'

ClinVar aggregate classification (germline): Pathogenic (1 of 4 stars; one submission).

Submission:

Labcorp Genetics (formerly Invitae), Labcorp
Classification: Pathogenic. Last evaluated: 2024-04-20. Review status: criteria provided, single submitter. Criteria: Invitae Variant Classification Sherloc (09022015). Collection method: clinical testing. Allele origin: germline.
Comment: This sequence change creates a premature translational stop signal (p.Glu385*) in the TCIRG1 gene. It is expected to result in an absent or disrupted protein product. Loss-of-function variants in TCIRG1 are known to be pathogenic (PMID: 10888887, 10942435, 11532986, 19448635). This variant is not present in population databases (gnomAD no frequency). This variant has not been reported in the literature in individuals affected with TCIRG1-related conditions. Algorithms developed to predict the effect of sequence changes on RNA splicing suggest that this variant may create or strengthen a splice site. For these reasons, this variant has been classified as Pathogenic.

Literature cited by the submitters: PubMed 10888887; PubMed 10942435; PubMed 11532986; PubMed 19448635.